The following is an entry in ClinVar:

ClinVar aggregate classification (germline): Pathogenic. Review status: criteria provided, multiple submitters, no conflicts (2 of 4 stars). 2 submissions from 2 submitters: Pathogenic (2). Last evaluated 2026-03-18.

Conditions:
Hereditary pheochromocytoma and paraganglioma. Also called: Hereditary Paraganglioma-Pheochromocytoma Syndromes; Hereditary pheochromocytoma-paraganglioma; Hereditary paragangliomas and pheochromocytomas. Identifiers: Orphanet 29072, MedGen C4274332, MONDO:0017366.
Pheochromocytoma/paraganglioma syndrome 3. Also called: GLOMUS TUMORS, FAMILIAL, 3; Paragangliomas 3; SDHC-Related Hereditary Paraganglioma-Pheochromocytoma Syndrome (Paragangliomas 3); SDHC-Related Hereditary Paraganglioma-Pheochromocytoma Syndrome. Identifiers: Orphanet 29072, MedGen C1854336, MONDO:0011544, OMIM 605373.
Gastrointestinal stromal tumor. Also called: Gastrointestinal stroma tumor; Gastrointestinal stromal tumor, somatic. Identifiers: Orphanet 44890, MedGen C0238198, MeSH D046152, MONDO:0011719, OMIM 606764, HP:0100723.

Submissions (2):

Myriad Genetics, Inc.
Classification: Pathogenic for Hereditary pheochromocytoma and paraganglioma. Last evaluated: 2026-03-18. Review status: criteria provided, single submitter. Criteria: Myriad Autosomal Dominant, Autosomal Recessive and X-Linked Classification Criteria (2023). Collection method: clinical testing. Allele origin: unknown.
Comment: This variant is considered pathogenic. This variant is located within the gene translation start codon (p.Met1?) and is predicted to result in abnormal protein translation. This variant has been reported in multiple individuals with clinical features of gene-specific disease [PMID: 30201732, 30877234, 16249420, 11062460, 22351710].

Labcorp Genetics (formerly Invitae), Labcorp
Classification: Pathogenic for Pheochromocytoma/paraganglioma syndrome 3; Gastrointestinal stromal tumor. Last evaluated: 2021-12-23. Review status: criteria provided, single submitter. Criteria: Invitae Variant Classification Sherloc (09022015). Collection method: clinical testing. Allele origin: germline.
Comment: This sequence change affects the initiator methionine of the SDHC mRNA. The next in-frame methionine is located at codon 38. This variant is not present in population databases (gnomAD no frequency). Disruption of the initiator codon has been observed in individuals with SDHC-related conditions (PMID: 11062460, 16249420, 22351710). It has also been observed to segregate with disease in related individuals. For these reasons, this variant has been classified as Pathogenic.

Literature cited by the submitters: PubMed 30201732 (cited by Myriad Genetics, Inc.); PubMed 30877234 (cited by Myriad Genetics, Inc.); PubMed 16249420 (cited by Myriad Genetics, Inc. and Labcorp Genetics (formerly Invitae), Labcorp); PubMed 11062460 (cited by Myriad Genetics, Inc. and Labcorp Genetics (formerly Invitae), Labcorp); PubMed 22351710 (cited by Myriad Genetics, Inc. and Labcorp Genetics (formerly Invitae), Labcorp).

NM_003001.5(SDHC):c.1A>C (p.Met1Leu)

Gene: SDHC (succinate dehydrogenase complex subunit C; plus strand). Cytogenetic location: 1q23.3.
Variant type: single nucleotide variant.
Coding change: c.1A>C on transcript NM_003001.5 (MANE Select); coding-DNA position 1, A replaced by C.
Protein change: p.Met1Leu; changes the start codon (methionine 1).
Molecular consequence: missense variant, initiator codon variant.
Genome position (GRCh38, 1-based): chr1:161,314,406, A>C. VCF-style: chr1-161314406-A-C. GRCh37 (hg19) VCF-style: chr1-161284196-A-C.
Other names: c.1A>C, p.Met1Leu (NM_001035511.3, NM_001035512.3, NM_001035513.3 and 6 more transcripts); c.-560A>C (NM_001407119.1); c.-229A>C (NM_001407120.1); short protein forms M1L.
Identifiers: ClinVar variation 2055039 (VCV002055039.6), dbSNP rs755235380, ClinGen allele CA343354884.